The following is an entry in ClinVar:

Single allele

Genes: C17orf78 (chromosome 17 open reading frame 78; plus strand), DDX52 (DExD-box helicase 52; minus strand), DHRS11 (dehydrogenase/reductase 11; plus strand), DUSP14 (dual specificity phosphatase 14; plus strand), GGNBP2 (gametogenetin binding protein 2; plus strand) and 10 more. Cytogenetic location: 17q12.
Variant type: Deletion.
Identifiers: ClinVar variation 635885 (VCV000635885.2).

ClinVar aggregate classification (germline): no classifications from unflagged records (0 of 4 stars; one submission).

Conditions:
Neurodevelopmental disorder. Identifiers: MedGen C1535926, MeSH D065886, MONDO:0700092.

Submission:

Rare Disease Group, Clinical Genetics, Karolinska Institutet
Classification: Uncertain significance for Neurodevelopmental disorder. Last evaluated: 2019-04-09. Review status: flagged submission. Criteria: ACMG Guidelines, 2015. Collection method: clinical testing. Allele origin: germline. Affected: yes.
ClinVar note: Notes: This submission was flagged because its interpretation of this variant conflicts with the ClinGen Gene Dosage Map curation for the gene HNF1B.
ClinVar note: Reason: Conflict with ClinGen Gene Dosage Map